The following is an entry in ClinVar:

ClinVar aggregate classification (germline): Benign. Review status: criteria provided, multiple submitters, no conflicts (2 of 4 stars). 3 submissions from 3 submitters: Benign (3). Last evaluated 2023-11-12.

Allele frequency attached by ClinVar (database versions not stated): gnomAD 0.75138 and 0.75543; TOPMed 0.75537; gnomAD exomes 0.72946; 1000 Genomes Project 30x 0.80231; 1000 Genomes Project 0.80871.
gnomAD v4.1: 1,169,693 of 1,596,690 alleles (73%); highest among the groups gnomAD compares: East Asian, 96%; 430,970 homozygotes.

Submissions (3):

Unidad de Genómica Garrahan, Hospital de Pediatría Garrahan
Classification: Benign. Last evaluated: 2023-11-12. Review status: criteria provided, single submitter. Criteria: ACMG Guidelines, 2015. Collection method: clinical testing. Allele origin: germline. Affected: no. Observed: 92 variant alleles.
Comment: This variant is classified as Benign based on local population frequency. This variant was detected in 96% of patients studied by a panel of primary immunodeficiencies. Number of patients: 92. Only high quality variants are reported.

GeneDx
Classification: Benign. Last evaluated: 2018-07-09. Review status: criteria provided, single submitter. Criteria: GeneDx Variant Classification Process June 2021. Collection method: clinical testing. Allele origin: germline. Affected: yes.

Breakthrough Genomics
Classification: Benign. Review status: criteria provided, single submitter. Criteria: ACMG Guidelines, 2015. Collection method: not provided. Allele origin: germline. Inheritance: Autosomal dominant inheritance. Affected: yes.

NM_000043.6(FAS):c.197-62G>C

Gene: FAS (Fas cell surface death receptor; plus strand). Cytogenetic location: 10q23.31.
Variant type: single nucleotide variant.
Coding change: c.197-62G>C on transcript NM_000043.6 (MANE Select); 62 bases into the intron before coding-DNA position 197, G replaced by C.
Molecular consequence: intron variant.
Genome position (GRCh38, 1-based): chr10:89,007,638, G>C. VCF-style: chr10-89007638-G-C. GRCh37 (hg19) VCF-style: chr10-90767395-G-C.
Other names: c.197-62G>C (NM_152872.4, NM_001320619.2, NM_152871.4).
Identifiers: ClinVar variation 1277444 (VCV001277444.4), dbSNP rs2031611, ClinGen allele CA13271821.